The following is an entry in ClinVar:

ClinVar aggregate classification (germline): Pathogenic/Likely pathogenic. Review status: criteria provided, multiple submitters, no conflicts (2 of 4 stars). 3 submissions from 3 submitters: Pathogenic (2); Likely pathogenic (1). Last evaluated 2024-08-24.

Conditions:
Granulomatous disease, chronic, X-linked. Also called: GRANULOMATOUS DISEASE, CHRONIC, X-LINKED, SOMATIC MOSAIC; CYTOCHROME b-NEGATIVE GRANULOMATOUS DISEASE, CHRONIC, X-LINKED. Identifiers: Orphanet 379, MedGen C1844376, MONDO:0010600, OMIM 306400.
Chronic granulomatous disease. Identifiers: Orphanet 379, MedGen C0018203, MONDO:0018305.

Submissions (3):

Natera, Inc.
Classification: Pathogenic for Chronic granulomatous disease. Last evaluated: 2024-08-24. Review status: criteria provided, single submitter. Criteria: Natera Variant Classification Schema (03/2026). Collection method: clinical testing. Allele origin: germline.
Comment: The c.607G>T variant in CYBB is a nonsense variant predicted to introduce a stop codon at amino acid 203. This variant is expected to result in nonsense mediated decay, truncation, or a dysfunctional protein product. This variant is rare in the general population with a frequency below the threshold expected for the associated phenotype(s). This variant has been observed in affected individual(s) with monoallelic occurrence (heterozygous/hemizygous) (PMID: 30290665). Given the available evidence, this variant is classified as Pathogenic.

Labcorp Genetics (formerly Invitae), Labcorp
Classification: Pathogenic for Granulomatous disease, chronic, X-linked. Last evaluated: 2018-08-14. Review status: criteria provided, single submitter. Criteria: Invitae Variant Classification Sherloc (09022015). Collection method: clinical testing. Allele origin: germline.
Comment: This sequence change creates a premature translational stop signal (p.Glu203*) in the CYBB gene. It is expected to result in an absent or disrupted protein product. This variant is not present in population databases (ExAC no frequency). This variant has been observed in individuals affected with chronic granulomatous disease (PMID: 8634410, 20729109). ClinVar contains an entry for this variant (Variation ID: 35974). Loss-of-function variants in CYBB are known to be pathogenic (PMID: 9585602, 20729109). For these reasons, this variant has been classified as Pathogenic.

Women's Health and Genetics/Laboratory Corporation of America, LabCorp
Classification: Likely pathogenic for X-linked Chronic Granulomatous Disease. Last evaluated: 2011-08-18. Review status: criteria provided, single submitter. Criteria: LabCorp Variant Classification Summary - May 2015. Collection method: curation, clinical testing. Allele origin: germline. Inheritance: Xlinked recessive. Affected: yes. Observed: 1 variant allele.
ClinVar note: Converted during submission from likely pathogenic to Likely pathogenic.

Literature cited by the submitters: PubMed 30290665 (cited by Natera, Inc.); PubMed 8634410 (cited by Labcorp Genetics (formerly Invitae), Labcorp and Women's Health and Genetics/Laboratory Corporation of America, LabCorp); PubMed 20729109 (cited by Labcorp Genetics (formerly Invitae), Labcorp); PubMed 9585602 (cited by Labcorp Genetics (formerly Invitae), Labcorp); PubMed 11162142 (cited by Women's Health and Genetics/Laboratory Corporation of America, LabCorp); PubMed 8961628 (cited by Women's Health and Genetics/Laboratory Corporation of America, LabCorp).

NM_000397.4(CYBB):c.607G>T (p.Glu203Ter)

Gene: CYBB (cytochrome b-245 beta chain; plus strand). Cytogenetic location: Xp21.1.
Variant type: single nucleotide variant.
Coding change: c.607G>T on transcript NM_000397.4 (MANE Select); coding-DNA position 607, G replaced by T.
Protein change: p.Glu203Ter; replaces glutamic acid 203 with a stop codon.
Molecular consequence: nonsense.
Genome position (GRCh38, 1-based): chrX:37,796,074, G>T. VCF-style: chrX-37796074-G-T. GRCh37 (hg19) VCF-style: chrX-37655327-G-T.
Other names: short protein forms E203*.
Identifiers: ClinVar variation 35974 (VCV000035974.13), dbSNP rs193922449, ClinGen allele CA213635.